The following is an entry in ClinVar:

ClinVar aggregate classification (germline): Benign (1 of 4 stars; one submission).

Conditions:
Lynch syndrome 5 (LYNCH5). Also called: Colorectal cancer, hereditary nonpolyposis, type 5; Hereditary non-polyposis colorectal cancer, type 5. Identifiers: Orphanet 144, MedGen C1833477, MONDO:0013710, OMIM 614350. Disease mechanism: loss of function.

Submission:

Myriad Genetics, Inc.
Classification: Benign for Lynch syndrome 5. Last evaluated: 2024-12-31. Review status: criteria provided, single submitter. Criteria: Myriad Autosomal Dominant, Autosomal Recessive and X-Linked Classification Criteria (2023). Collection method: clinical testing. Allele origin: unknown.
Comment: This variant is considered benign. This variant is a silent/synonymous amino acid change and it is not expected to impact splicing.

NM_000179.3(MSH6):c.2448A>T (p.Pro816=)

Gene: MSH6 (mutS homolog 6; plus strand). Cytogenetic location: 2p16.3.
Variant type: single nucleotide variant.
Coding change: c.2448A>T on transcript NM_000179.3 (MANE Select); coding-DNA position 2448, A replaced by T.
Protein change: p.Pro816=; no amino-acid change (proline 816 retained).
Molecular consequence: synonymous variant. On other transcripts: non-coding transcript variant (5), intron variant (3).
Genome position (GRCh38, 1-based): chr2:47,800,431, A>T. VCF-style: chr2-47800431-A-T. GRCh37 (hg19) VCF-style: chr2-48027570-A-T.
Other names: c.2058A>T, p.Pro686= (NM_001281492.2); c.1542A>T, p.Pro514= (NM_001281493.2, NM_001281494.2, NM_001406811.1 and 6 more transcripts); c.2544A>T, p.Pro848= (NM_001406795.1, NM_001406802.1); c.2448A>T, p.Pro816= (NM_001406796.1, NM_001406798.1, NM_001406800.1 and 2 more transcripts); c.2151A>T, p.Pro717= (NM_001406797.1, NM_001406801.1, NM_001406805.1 and 10 more transcripts); c.1923A>T, p.Pro641= (NM_001406799.1, NM_001406806.1, NM_001406807.1); c.2370A>T, p.Pro790= (NM_001406804.1); c.2454A>T, p.Pro818= (NM_001406813.1); and 4 more.
Identifiers: ClinVar variation 3903780 (VCV003903780.1).
Genomic context (GRCh38, chr2:47,800,431, plus strand): 5'-AGACCTCATGGTTGTGCCTGACAAAATCTCCGAAGTTGTAGAGCTTCTAAAGAAGCTTCC[A>T]GATCTTGAGAGGCTACTCAGTAAAATTCATAATGTTGGGTCTCCCCTGAAGAGTCAGAAC-3'
Protein context (NP_000170.1, residues 806-826): SEVVELLKKL[Pro816=]DLERLLSKIH